The following is an entry in ClinVar:

ClinVar aggregate classification (germline): Likely benign. Review status: criteria provided, multiple submitters, no conflicts (2 of 4 stars). 3 submissions from 3 submitters: Likely benign (3). Last evaluated 2026-01-14.

Conditions:
VPS13B-related disorder. Also called: VPS13B-related condition.
Cohen syndrome (COH1). Also called: Cutis verticis gyrata, retinitis pigmentosa, and sensorineural deafness; PEPPER SYNDROME. Identifiers: Orphanet 193, MedGen C0265223, MONDO:0008999, OMIM 216550.

Allele frequency attached by ClinVar (database versions not stated): gnomAD exomes below 0.00001; ExAC 0.00001; gnomAD 0.00002; TOPMed 0.00002.
gnomAD v4.1: 24 of 1,613,980 alleles (0.0015%); highest among the groups gnomAD compares: Non-Finnish European, 0.0019%; 1 homozygote.

Submissions (3):

PreventionGenetics, part of Exact Sciences
Classification: Likely benign for VPS13B-related condition. Last evaluated: 2026-01-14. Review status: criteria provided, single submitter. Criteria: ACMG Guidelines, 2015. Collection method: clinical testing. Allele origin: germline.
Comment: This variant is classified as likely benign based on ACMG/AMP sequence variant interpretation guidelines (Richards et al. 2015 PMID: 25741868, with internal and published modifications).

Labcorp Genetics (formerly Invitae), Labcorp
Classification: Likely benign for Cohen syndrome. Last evaluated: 2024-05-23. Review status: criteria provided, single submitter. Criteria: Invitae Variant Classification Sherloc (09022015). Collection method: clinical testing. Allele origin: germline.

Blueprint Genetics
Classification: Likely benign. Last evaluated: 2020-01-17. Review status: criteria provided, single submitter. Criteria: ACMG Guidelines, 2015. Collection method: clinical testing. Allele origin: germline.

NM_152564.5(VPS13B):c.8049T>C (p.Thr2683=)

Gene: VPS13B (vacuolar protein sorting 13 homolog B; plus strand). Cytogenetic location: 8q22.2.
Variant type: single nucleotide variant.
Coding change: c.8049T>C on transcript NM_152564.5 (MANE Select); coding-DNA position 8049, T replaced by C.
Protein change: p.Thr2683=; no amino-acid change (threonine 2683 retained).
Molecular consequence: synonymous variant.
Genome position (GRCh38, 1-based): chr8:99,809,482, T>C. VCF-style: chr8-99809482-T-C. GRCh37 (hg19) VCF-style: chr8-100821710-T-C.
Other names: c.8124T>C, p.Thr2708= (NM_017890.5); c.8049T>C (NM_152564.4).
Identifiers: ClinVar variation 1144453 (VCV001144453.11), dbSNP rs765550072, ClinGen allele CA4824370.